The following is an entry in ClinVar:

NM_021067.5(GINS1):c.6C>G (p.Phe2Leu)

Genes: GINS1 (GINS complex subunit 1; plus strand), LOC130065587 (ATAC-STARR-seq lymphoblastoid active region 17669; plus strand). Cytogenetic location: 20p11.21.
Variant type: single nucleotide variant.
Coding change: c.6C>G on transcript NM_021067.5 (MANE Select); coding-DNA position 6, C replaced by G.
Protein change: p.Phe2Leu; replaces phenylalanine 2 with leucine.
Molecular consequence: missense variant. On other transcripts: non-coding transcript variant (1).
Genome position (GRCh38, 1-based): chr20:25,407,826, C>G. VCF-style: chr20-25407826-C-G. GRCh37 (hg19) VCF-style: chr20-25388462-C-G.
Other names: c.6C>G, p.Phe2Leu (NM_001410830.1, NM_001410831.1); short protein forms F2L.
Identifiers: ClinVar variation 2695289 (VCV002695289.3), dbSNP rs2516008420, ClinGen allele CA408446222.

ClinVar aggregate classification (germline): Uncertain significance (1 of 4 stars; one submission).

Submission:

Labcorp Genetics (formerly Invitae), Labcorp
Classification: Uncertain significance. Last evaluated: 2023-12-10. Review status: criteria provided, single submitter. Criteria: Invitae Variant Classification Sherloc (09022015). Collection method: clinical testing. Allele origin: germline.
Comment: This sequence change replaces phenylalanine, which is neutral and non-polar, with leucine, which is neutral and non-polar, at codon 2 of the GINS1 protein (p.Phe2Leu). This variant is not present in population databases (gnomAD no frequency). This variant has not been reported in the literature in individuals affected with GINS1-related conditions. Algorithms developed to predict the effect of missense changes on protein structure and function output the following: SIFT: "Not Available"; PolyPhen-2: "Benign"; Align-GVGD: "Not Available". The leucine amino acid residue is found in multiple mammalian species, which suggests that this missense change does not adversely affect protein function. In summary, the available evidence is currently insufficient to determine the role of this variant in disease. Therefore, it has been classified as a Variant of Uncertain Significance.